The following is an entry in ClinVar:

NM_004646.4(NPHS1):c.163del (p.Val55fs)

Genes: NPHS1 (NPHS1 adhesion molecule, nephrin; minus strand), KIRREL2 (kirre like nephrin family adhesion molecule 2; plus strand). Cytogenetic location: 19q13.12.
Variant type: Deletion.
Coding change: c.163del on transcript NM_004646.4 (MANE Select); coding-DNA position 163, one base deleted (G; older notation c.163delG).
Protein change: p.Val55fs; shifts the reading frame from valine 55.
Molecular consequence: frameshift variant.
Genome position (GRCh38, 1-based): chr19:35,851,568, C deleted on the plus strand (G on the coding strand, the reverse complement: NPHS1 is on the minus strand); the first of 4 consecutive C bases (chr19:35,851,568-35,851,571); deleting any one gives the same sequence. VCF-style (leftmost placement, unchanged base first): chr19-35851567-AC-A. GRCh37 (hg19) VCF-style: chr19-36342469-AC-A.
Other names: short protein forms V55fs.
Identifiers: ClinVar variation 1726058 (VCV001726058.2), dbSNP rs2513786012, ClinGen allele CA2580096906.
Genomic context (GRCh38, chr19:35,851,567, plus strand): 5'-GGGTCGGGGCCCAGGAGCAGCCCATCTTTGGCCCATTGCACCGCACTGCCAGGGGTGCTG[AC>A]CCCACAACGCAGCTCCACTGAGGCCCCCTCCACCACCGTCAGGTTTTCAGGCAGGGCCCA-3'

ClinVar aggregate classification (germline): Likely pathogenic (1 of 4 stars; one submission).

Conditions:
Finnish congenital nephrotic syndrome (NPHS1). Also called: NEPHROTIC SYNDROME, TYPE 1. Identifiers: Orphanet 839, MedGen C0403399, MONDO:0009732, OMIM 256300.

Submission:

Myriad Genetics, Inc.
Classification: Likely pathogenic for Finnish congenital nephrotic syndrome. Last evaluated: 2021-12-08. Review status: criteria provided, single submitter. Criteria: Myriad Women's Health Autosomal Recessive and X-Linked Classification Criteria (2021). Collection method: clinical testing. Allele origin: unknown.
Comment: NM_004646.3(NPHS1):c.163delG(V55Sfs*73) is expected to be pathogenic in the context of nephrotic syndrome, NPHS1-related. This variant is predicted to lead to an abnormal or absent protein product due to the creation of a premature termination codon in NPHS1, a gene where loss-of-function variants are known to be pathogenic. Please note: this variant was assessed in the context of healthy population screening.